The following is an entry in ClinVar:

ClinVar aggregate classification (germline): Pathogenic (1 of 4 stars; one submission).

Conditions:
Inflammatory skin and bowel disease, neonatal, 1. Identifiers: Orphanet 294023, MedGen C3280501, MONDO:0013693, OMIM 614328.

Submission:

Labcorp Genetics (formerly Invitae), Labcorp
Classification: Pathogenic for Inflammatory skin and bowel disease, neonatal, 1. Last evaluated: 2023-07-20. Review status: criteria provided, single submitter. Criteria: Invitae Variant Classification Sherloc (09022015). Collection method: clinical testing. Allele origin: germline.
Comment: This sequence change creates a premature translational stop signal (p.Met435Ilefs*13) in the ADAM17 gene. It is expected to result in an absent or disrupted protein product. Loss-of-function variants in ADAM17 are known to be pathogenic (PMID: 22010916, 25804906). This variant is not present in population databases (gnomAD no frequency). This variant has not been reported in the literature in individuals affected with ADAM17-related conditions. For these reasons, this variant has been classified as Pathogenic.

Literature cited by the submitters: PubMed 22010916; PubMed 25804906.

NM_003183.6(ADAM17):c.1305_1306del (p.Met435fs)

Genes: ADAM17 (ADAM metallopeptidase domain 17; minus strand), IAH1 (isoamyl acetate hydrolyzing esterase 1 (putative); plus strand). Cytogenetic location: 2p25.1.
Variant type: Deletion.
Coding change: c.1305_1306del on transcript NM_003183.6 (MANE Select); coding-DNA positions 1305 to 1306, 2 bases deleted (GT; older notation c.1305_1306delGT).
Protein change: p.Met435fs; shifts the reading frame from methionine 435.
Molecular consequence: frameshift variant.
Genome position (GRCh38, 1-based): chr2:9,510,017-9,510,018, AC deleted on the plus strand (GT on the coding strand, the reverse complement: ADAM17 is on the minus strand); deleting any 2 consecutive bases within chr2:9,510,017-9,510,019 gives the same sequence; the c. name uses the placement nearest the transcript's 3' end. VCF-style (leftmost placement, unchanged base first): chr2-9510016-TAC-T. GRCh37 (hg19) VCF-style: chr2-9650145-TAC-T.
Other names: c.645_646del, p.Met215fs (NM_001382777.1); c.408_409del, p.Met136fs (NM_001382778.1); short protein forms M136fs, M215fs, M435fs.
Identifiers: ClinVar variation 2745572 (VCV002745572.3), dbSNP rs2531219268, ClinGen allele CA2697547806.
Genomic context (GRCh38, chr2:9,510,016, plus strand): 5'-AAAAATTCTCGACACACACATACCTTATTGTTCTCGTGATCGCCACTCACAGCTATGGGA[TAC>T]ATGACATATTTCCCTCCCTGGTCCTCATTCGGGGCACATTCTGCTAGACCATCCGGATCA-3'